The following is an entry in ClinVar:

ClinVar aggregate classification (germline): Conflicting classifications of pathogenicity. Review status: criteria provided, conflicting classifications (1 of 4 stars). 3 submissions from 3 submitters: Uncertain significance (1); Benign (1); Likely benign (1). Last evaluated 2025-03-23.

Conditions:
Cortical dysplasia-focal epilepsy syndrome (PTHSL1). Also called: Pitt-Hopkins-like syndrome 1. Identifiers: Orphanet 163681, Orphanet 221150, MedGen C2750246, MONDO:0012400, OMIM 610042.

Allele frequency attached by ClinVar (database versions not stated): gnomAD 0.00001; gnomAD exomes 0.00002 and 0.00004; TOPMed 0.00002; ExAC 0.00004.
gnomAD v4.1: 10 of 1,614,010 alleles (0.00062%); highest among the groups gnomAD compares: Admixed American, 0.015%; no homozygotes.

Submissions (3):

Labcorp Genetics (formerly Invitae), Labcorp
Classification: Likely benign for Cortical dysplasia-focal epilepsy syndrome. Last evaluated: 2025-03-23. Review status: criteria provided, single submitter. Criteria: Invitae Variant Classification Sherloc (09022015). Collection method: clinical testing. Allele origin: germline.

GeneDx
Classification: Benign. Last evaluated: 2015-08-14. Review status: criteria provided, single submitter. Criteria: GeneDx Variant Classification (06012015). Collection method: clinical testing. Allele origin: germline. Affected: yes.
Comment: This variant is considered likely benign or benign based on one or more of the following criteria: it is a conservative change, it occurs at a poorly conserved position in the protein, it is predicted to be benign by multiple in silico algorithms, and/or has population frequency not consistent with disease.

Eurofins Ntd Llc (ga)
Classification: Uncertain significance. Last evaluated: 2015-05-21. Review status: criteria provided, single submitter. Criteria: EGL Classification Definitions 2015. Collection method: clinical testing. Allele origin: germline. Observed: 1 variant allele, 1 heterozygote.

NM_014141.6(CNTNAP2):c.273T>C (p.Asn91=)

Gene: CNTNAP2 (contactin associated protein 2; plus strand). Cytogenetic location: 7q35.
Variant type: single nucleotide variant.
Coding change: c.273T>C on transcript NM_014141.6 (MANE Select); coding-DNA position 273, T replaced by C.
Protein change: p.Asn91=; no amino-acid change (asparagine 91 retained).
Molecular consequence: synonymous variant.
Genome position (GRCh38, 1-based): chr7:146,839,775, T>C. VCF-style: chr7-146839775-T-C. GRCh37 (hg19) VCF-style: chr7-146536867-T-C.
Identifiers: ClinVar variation 196460 (VCV000196460.16), dbSNP rs773595457, ClinGen allele CA243414.